The following is an entry in ClinVar:

ClinVar aggregate classification (germline): Uncertain significance (1 of 4 stars; one submission).

Conditions:
Focal segmental glomerulosclerosis 5 (FSGS5). Identifiers: Orphanet 656, MedGen C2750475, MONDO:0013191, OMIM 613237.
Charcot-Marie-Tooth disease dominant intermediate E. Also called: CHARCOT-MARIE-TOOTH NEUROPATHY WITH FOCAL SEGMENTAL GLOMERULONEPHRITIS. Identifiers: Orphanet 93114, MedGen C4302667, MONDO:0013758, OMIM 614455.

Allele frequency attached by ClinVar (database versions not stated): TOPMed below 0.00001; ExAC 0.00001; gnomAD 0.00001; gnomAD exomes 0.00002.
gnomAD v4.1: 31 of 1,612,528 alleles (0.0019%); highest among the groups gnomAD compares: Non-Finnish European, 0.0026%; no homozygotes.

Submission:

Labcorp Genetics (formerly Invitae), Labcorp
Classification: Uncertain significance for Charcot-Marie-Tooth disease dominant intermediate E; Focal segmental glomerulosclerosis 5. Last evaluated: 2023-10-04. Review status: criteria provided, single submitter. Criteria: Invitae Variant Classification Sherloc (09022015). Collection method: clinical testing. Allele origin: germline.
Comment: This sequence change affects codon 1138 of the INF2 mRNA. It is a 'silent' change, meaning that it does not change the encoded amino acid sequence of the INF2 protein. This variant is present in population databases (rs765818007, gnomAD 0.0009%). This variant has not been reported in the literature in individuals affected with INF2-related conditions. ClinVar contains an entry for this variant (Variation ID: 2098238). Algorithms developed to predict the effect of sequence changes on RNA splicing suggest that this variant may create or strengthen a splice site. In summary, the available evidence is currently insufficient to determine the role of this variant in disease. Therefore, it has been classified as a Variant of Uncertain Significance.

NM_022489.4(INF2):c.3414G>T (p.Leu1138=)

Gene: INF2 (inverted formin 2; plus strand). Cytogenetic location: 14q32.33.
Variant type: single nucleotide variant.
Coding change: c.3414G>T on transcript NM_022489.4 (MANE Select); coding-DNA position 3414, G replaced by T.
Protein change: p.Leu1138=; no amino-acid change (leucine 1138 retained).
Molecular consequence: synonymous variant.
Genome position (GRCh38, 1-based): chr14:104,714,576, G>T. VCF-style: chr14-104714576-G-T. GRCh37 (hg19) VCF-style: chr14-105180913-G-T.
Other names: c.3414G>T, p.Leu1138= (NM_001031714.4).
Identifiers: ClinVar variation 2098238 (VCV002098238.4), dbSNP rs765818007, ClinGen allele CA7373242.